The following is an entry in ClinVar:

NM_001172509.2(SATB2):c.202C>G (p.Gln68Glu)

Gene: SATB2 (SATB homeobox 2; minus strand). Cytogenetic location: 2q33.1.
Variant type: single nucleotide variant.
Coding change: c.202C>G on transcript NM_001172509.2 (MANE Select); coding-DNA position 202, C replaced by G.
Protein change: p.Gln68Glu; replaces glutamine 68 with glutamic acid.
Molecular consequence: missense variant. On other transcripts: non-coding transcript variant (1).
Genome position (GRCh38, 1-based): chr2:199,433,482, G>C on the plus strand (C>G on the coding strand, the complement: SATB2 is on the minus strand). VCF-style: chr2-199433482-G-C. GRCh37 (hg19) VCF-style: chr2-200298205-G-C.
Other names: c.202C>G, p.Gln68Glu (NM_001172517.1, NM_015265.4); short protein forms Q68E.
Identifiers: ClinVar variation 2135256 (VCV002135256.4), dbSNP rs2469034270, ClinGen allele CA350386923.
Genomic context (GRCh38, chr2:199,433,482, plus strand): 5'-GCACCAGGACAAACTCGGCGTGTTCTTCTCTGTTGTCATATTCAAGAGAGCCGTCCAACT[G>C]CTCCACGACACAAAAGACAGGAATCATCAAACCTGAAGGGACAAAATTCAAGAGCAAAAC-3'
Protein context (NP_001165980.1, residues 58-78): LMIPVFCVVE[Gln68Glu]LDGSLEYDNR

ClinVar aggregate classification (germline): Uncertain significance (1 of 4 stars; one submission).

Conditions:
Chromosome 2q32-q33 deletion syndrome (GLASS). Also called: Glass syndrome; 2q33.1 deletion syndrome. Identifiers: Orphanet 251019, MedGen C2676739, MONDO:0012864, OMIM 612313.

Allele frequency attached by ClinVar (database versions not stated): gnomAD exomes below 0.00001.
gnomAD v4.1: 1 of 1,614,060 alleles (0.000062%); highest among the groups gnomAD compares: Non-Finnish European, 0.000085%; no homozygotes.

Submission:

Labcorp Genetics (formerly Invitae), Labcorp
Classification: Uncertain significance for Chromosome 2q32-q33 deletion syndrome. Last evaluated: 2025-04-14. Review status: criteria provided, single submitter. Criteria: Invitae Variant Classification Sherloc (09022015). Collection method: clinical testing. Allele origin: germline.
Comment: This sequence change replaces glutamine, which is neutral and polar, with glutamic acid, which is acidic and polar, at codon 68 of the SATB2 protein (p.Gln68Glu). This variant is not present in population databases (gnomAD no frequency). This variant has not been reported in the literature in individuals affected with SATB2-related conditions. ClinVar contains an entry for this variant (Variation ID: 2135256). Invitae Evidence Modeling of protein sequence and biophysical properties (such as structural, functional, and spatial information, amino acid conservation, physicochemical variation, residue mobility, and thermodynamic stability) has been performed for this missense variant. However, the output from this modeling did not meet the statistical confidence thresholds required to predict the impact of this variant on SATB2 protein function. In summary, the available evidence is currently insufficient to determine the role of this variant in disease. Therefore, it has been classified as a Variant of Uncertain Significance.